The following is an entry in ClinVar:

NM_000135.4(FANCA):c.1615G>T (p.Asp539Tyr)

Gene: FANCA (FA complementation group A; minus strand). Cytogenetic location: 16q24.3.
Variant type: single nucleotide variant.
Coding change: c.1615G>T on transcript NM_000135.4 (MANE Select); coding-DNA position 1615, G replaced by T.
Protein change: p.Asp539Tyr; replaces aspartic acid 539 with tyrosine.
Molecular consequence: missense variant.
Genome position (GRCh38, 1-based): chr16:89,782,870, C>A on the plus strand (G>T on the coding strand, the complement: FANCA is on the minus strand). VCF-style: chr16-89782870-C-A. GRCh37 (hg19) VCF-style: chr16-89849278-C-A.
Other names: c.1615G>T, p.Asp539Tyr (NM_001286167.3); short protein forms D539Y.
Identifiers: ClinVar variation 3711379 (VCV003711379.3).
Genomic context (GRCh38, chr16:89,782,870, plus strand): 5'-CATGGTGGGCGTGACTGGCTGAGACCCTGCAGGGCTCAAGCAACATTACCTCAGTAATGT[C>A]CCCAGCTGATGACAAATCCTCGTAGAGTCCCATGTTTTCTATAGAAACCTTCAGGGAAGA-3'
Protein context (NP_000126.2, residues 529-549): GLYEDLSSAG[Asp539Tyr]ITEPHSQALQ

ClinVar aggregate classification (germline): Uncertain significance. Review status: criteria provided, multiple submitters, no conflicts (2 of 4 stars). 2 submissions from 2 submitters: Uncertain significance (2). Last evaluated 2025-03-24.

Conditions:
Inborn genetic diseases. Identifiers: MedGen C0950123, MeSH D030342.
Fanconi anemia (FA). Also called: Fanconi's anemia. Identifiers: Orphanet 84, MedGen C0015625, MeSH D005199, MONDO:0019391.

gnomAD v4.1: 4 of 1,613,722 alleles (0.00025%); highest among the groups gnomAD compares: African/African-American, 0.0053%; no homozygotes.

Submissions (2):

Ambry Genetics
Classification: Uncertain significance for Inborn genetic diseases. Last evaluated: 2025-03-24. Review status: criteria provided, single submitter. Criteria: Ambry Variant Classification Scheme 2023. Collection method: clinical testing. Allele origin: germline.
Comment: The p.D539Y variant (also known as c.1615G>T), located in coding exon 17 of the FANCA gene, results from a G to T substitution at nucleotide position 1615. The aspartic acid at codon 539 is replaced by tyrosine, an amino acid with highly dissimilar properties. This amino acid position is conserved. In addition, the in silico prediction for this alteration is inconclusive. Based on the available evidence, the clinical significance of this variant remains unclear.

Labcorp Genetics (formerly Invitae), Labcorp
Classification: Uncertain significance for Fanconi anemia. Last evaluated: 2024-05-21. Review status: criteria provided, single submitter. Criteria: Invitae Variant Classification Sherloc (09022015). Collection method: clinical testing. Allele origin: germline.
Comment: This sequence change replaces aspartic acid, which is acidic and polar, with tyrosine, which is neutral and polar, at codon 539 of the FANCA protein (p.Asp539Tyr). This variant is not present in population databases (gnomAD no frequency). This variant has not been reported in the literature in individuals affected with FANCA-related conditions. Advanced modeling of protein sequence and biophysical properties (such as structural, functional, and spatial information, amino acid conservation, physicochemical variation, residue mobility, and thermodynamic stability) performed at Invitae indicates that this missense variant is expected to disrupt FANCA protein function with a positive predictive value of 80%. In summary, the available evidence is currently insufficient to determine the role of this variant in disease. Therefore, it has been classified as a Variant of Uncertain Significance.